The following is an entry in ClinVar:

ClinVar aggregate classification (germline): Uncertain significance (1 of 4 stars; one submission).

Conditions:
Joubert syndrome. Also called: CEREBELLOPARENCHYMAL DISORDER IV; JOUBERT-BOLTSHAUSER SYNDROME; Familial aplasia of the vermis. Identifiers: Orphanet 475, MedGen C5979921, MONDO:0018772.
Meckel-Gruber syndrome. Also called: DYSENCEPHALIA SPLANCHNOCYSTICA; GRUBER SYNDROME; Dysencephalia splachnocystica. Identifiers: Orphanet 564, MedGen C0265215, MONDO:0018921.

gnomAD v4.1: 1 of 1,613,724 alleles (0.000062%); highest among the groups gnomAD compares: Non-Finnish European, 0.000085%; no homozygotes.

Submission:

Labcorp Genetics (formerly Invitae), Labcorp
Classification: Uncertain significance for Joubert syndrome; Meckel-Gruber syndrome. Last evaluated: 2021-09-21. Review status: criteria provided, single submitter. Criteria: Invitae Variant Classification Sherloc (09022015). Collection method: clinical testing. Allele origin: germline.
Comment: This sequence change replaces asparagine with lysine at codon 78 of the B9D1 protein (p.Asn78Lys). The asparagine residue is highly conserved and there is a moderate physicochemical difference between asparagine and lysine. This variant is not present in population databases (ExAC no frequency). This variant has not been reported in the literature in individuals affected with B9D1-related conditions. Algorithms developed to predict the effect of missense changes on protein structure and function (SIFT, PolyPhen-2, Align-GVGD) all suggest that this variant is likely to be disruptive. In summary, the available evidence is currently insufficient to determine the role of this variant in disease. Therefore, it has been classified as a Variant of Uncertain Significance.

NM_015681.6(B9D1):c.234C>G (p.Asn78Lys)

Gene: B9D1 (B9 domain containing 1; minus strand). Cytogenetic location: 17p11.2.
Variant type: single nucleotide variant.
Coding change: c.234C>G on transcript NM_015681.6 (MANE Select); coding-DNA position 234, C replaced by G.
Protein change: p.Asn78Lys; replaces asparagine 78 with lysine.
Molecular consequence: missense variant. On other transcripts: 5 prime UTR variant (1).
Genome position (GRCh38, 1-based): chr17:19,357,850, G>C on the plus strand (C>G on the coding strand, the complement: B9D1 is on the minus strand). VCF-style: chr17-19357850-G-C. GRCh37 (hg19) VCF-style: chr17-19261163-G-C.
Other names: c.234C>G, p.Asn78Lys (NM_001321214.2, NM_001321215.3, NM_001321216.2 and 4 more transcripts); c.-127C>G (NM_001368769.2); short protein forms N78K.
Identifiers: ClinVar variation 1382615 (VCV001382615.6), dbSNP rs2152273834, ClinGen allele CA398698491.